The following is an entry in ClinVar:

ClinVar aggregate classification (germline): Likely benign (1 of 4 stars; one submission).

gnomAD v4.1: 9 of 104,323 alleles (0.0086%); highest among the groups gnomAD compares: Non-Finnish European, 0.016%; no homozygotes.

Submission:

CeGaT Center for Human Genetics Tuebingen
Classification: Likely benign. Last evaluated: 2024-07-01. Review status: criteria provided, single submitter. Criteria: CeGaT Center For Human Genetics Tuebingen Variant Classification Criteria Version 2. Collection method: clinical testing. Allele origin: germline. Affected: yes. Observed: 1 variant allele.
Comment: H2AL3: BS2

NM_001395555.1(H2AL3):c.367A>G (p.Lys123Glu)

Genes: H2AL3 (H2A.L variant histone 3; plus strand), SYTL5 (synaptotagmin like 5; plus strand). Cytogenetic location: Xp11.4.
Variant type: single nucleotide variant.
Coding change: c.367A>G on transcript NM_001395555.1 (MANE Select); coding-DNA position 367, A replaced by G.
Protein change: p.Lys123Glu; replaces lysine 123 with glutamic acid.
Molecular consequence: missense variant.
Genome position (GRCh38, 1-based): chrX:37,994,710, A>G. VCF-style: chrX-37994710-A-G. GRCh37 (hg19) VCF-style: chrX-37853963-A-G.
Other names: short protein forms K123E.
Identifiers: ClinVar variation 3257637 (VCV003257637.17).